The following is an entry in ClinVar:

NM_015559.3(SETBP1):c.1568A>C (p.His523Pro)

Gene: SETBP1 (SET binding protein 1; plus strand). Cytogenetic location: 18q12.3.
Variant type: single nucleotide variant.
Coding change: c.1568A>C on transcript NM_015559.3 (MANE Select); coding-DNA position 1568, A replaced by C.
Protein change: p.His523Pro; replaces histidine 523 with proline.
Molecular consequence: missense variant.
Genome position (GRCh38, 1-based): chr18:44,950,908, A>C. VCF-style: chr18-44950908-A-C. GRCh37 (hg19) VCF-style: chr18-42530873-A-C.
Other names: c.1568A>C, p.His523Pro (NM_001379141.1, NM_001379142.1, NM_001410862.1); short protein forms H523P.
Identifiers: ClinVar variation 2499965 (VCV002499965.3), dbSNP rs1789040142, ClinGen allele CA402318800.

ClinVar aggregate classification (germline): Uncertain significance. Review status: criteria provided, multiple submitters, no conflicts (2 of 4 stars). 3 submissions from 3 submitters: Uncertain significance (3). Last evaluated 2026-01-09.

Conditions:
Inborn genetic diseases. Identifiers: MedGen C0950123, MeSH D030342.

Allele frequency attached by ClinVar (database versions not stated): gnomAD exomes below 0.00001; TOPMed below 0.00001; gnomAD 0.00001.
gnomAD v4.1: 4 of 1,614,072 alleles (0.00025%); highest among the groups gnomAD compares: African/African-American, 0.004%; no homozygotes.

Submissions (3):

Ambry Genetics
Classification: Uncertain significance for Inborn genetic diseases. Last evaluated: 2026-01-09. Review status: criteria provided, single submitter. Criteria: Ambry Variant Classification Scheme 2023. Collection method: clinical testing. Allele origin: germline.

Labcorp Genetics (formerly Invitae), Labcorp
Classification: Uncertain significance. Last evaluated: 2025-03-11. Review status: criteria provided, single submitter. Criteria: Invitae Variant Classification Sherloc (09022015). Collection method: clinical testing. Allele origin: germline.
Comment: This sequence change replaces histidine, which is basic and polar, with proline, which is neutral and non-polar, at codon 523 of the SETBP1 protein (p.His523Pro). This variant is not present in population databases (gnomAD no frequency). This variant has not been reported in the literature in individuals affected with SETBP1-related conditions. ClinVar contains an entry for this variant (Variation ID: 2499965). Invitae Evidence Modeling of protein sequence and biophysical properties (such as structural, functional, and spatial information, amino acid conservation, physicochemical variation, residue mobility, and thermodynamic stability) indicates that this missense variant is not expected to disrupt SETBP1 protein function with a negative predictive value of 80%. In summary, the available evidence is currently insufficient to determine the role of this variant in disease. Therefore, it has been classified as a Variant of Uncertain Significance.

GeneDx
Classification: Uncertain significance. Last evaluated: 2022-10-20. Review status: criteria provided, single submitter. Criteria: GeneDx Variant Classification Process June 2021. Collection method: clinical testing. Allele origin: germline. Affected: yes.
Comment: Not observed at significant frequency in large population cohorts (gnomAD); In silico analysis supports that this missense variant does not alter protein structure/function; Has not been previously published as pathogenic or benign to our knowledge